The following is an entry in ClinVar:

NM_016929.5(CLIC5):c.671G>A (p.Arg224His)

Gene: CLIC5 (chloride intracellular channel 5; minus strand). Cytogenetic location: 6p21.1.
Variant type: single nucleotide variant.
Coding change: c.671G>A on transcript NM_016929.5 (MANE Select); coding-DNA position 671, G replaced by A.
Protein change: p.Arg224His; replaces arginine 224 with histidine.
Molecular consequence: missense variant. On other transcripts: non-coding transcript variant (2).
Genome position (GRCh38, 1-based): chr6:45,903,173, C>T on the plus strand (G>A on the coding strand, the complement: CLIC5 is on the minus strand). VCF-style: chr6-45903173-C-T. GRCh37 (hg19) VCF-style: chr6-45870910-C-T.
Other names: c.1148G>A (NM_001114086.1); c.1148G>A, p.Arg383His (NM_001114086.2, NM_001370650.1); c.554G>A, p.Arg185His (NM_001370649.1); short protein forms R185H, R383H, R224H.
Identifiers: ClinVar variation 1921835 (VCV001921835.6), dbSNP rs542607424, ClinGen allele CA3836696.

ClinVar aggregate classification (germline): Uncertain significance. Review status: criteria provided, multiple submitters, no conflicts (2 of 4 stars). 2 submissions from 2 submitters: Uncertain significance (2). Last evaluated 2025-06-11.

Allele frequency attached by ClinVar (database versions not stated): ExAC 0.00002; gnomAD exomes 0.00002; TOPMed 0.00002; gnomAD 0.00003; 1000 Genomes Project 30x 0.00016; 1000 Genomes Project 0.00020.
gnomAD v4.1: 31 of 1,613,974 alleles (0.0019%); highest among the groups gnomAD compares: South Asian, 0.016%; no homozygotes.

Submissions (2):

Ambry Genetics
Classification: Uncertain significance. Last evaluated: 2025-06-11. Review status: criteria provided, single submitter. Criteria: Ambry Variant Classification Scheme 2023. Collection method: clinical testing. Allele origin: germline.

Labcorp Genetics (formerly Invitae), Labcorp
Classification: Uncertain significance. Last evaluated: 2024-02-24. Review status: criteria provided, single submitter. Criteria: Invitae Variant Classification Sherloc (09022015). Collection method: clinical testing. Allele origin: germline.
Comment: This sequence change replaces arginine, which is basic and polar, with histidine, which is basic and polar, at codon 383 of the CLIC5 protein (p.Arg383His). This variant is present in population databases (rs542607424, gnomAD 0.009%). This variant has not been reported in the literature in individuals affected with CLIC5-related conditions. ClinVar contains an entry for this variant (Variation ID: 1921835). An algorithm developed to predict the effect of missense changes on protein structure and function (PolyPhen-2) suggests that this variant is likely to be tolerated. In summary, the available evidence is currently insufficient to determine the role of this variant in disease. Therefore, it has been classified as a Variant of Uncertain Significance.